The following is an entry in ClinVar:

NM_000093.5(COL5A1):c.4555-294G>A

Genes: COL5A1 (collagen type V alpha 1 chain; plus strand), LOC101448202 (uncharacterized LOC101448202; minus strand). Cytogenetic location: 9q34.3.
Variant type: single nucleotide variant.
Coding change: c.4555-294G>A on transcript NM_000093.5 (MANE Select); 294 bases into the intron before coding-DNA position 4555, G replaced by A.
Molecular consequence: intron variant.
Genome position (GRCh38, 1-based): chr9:134,821,803, G>A. VCF-style: chr9-134821803-G-A. GRCh37 (hg19) VCF-style: chr9-137713649-G-A.
Other names: c.4555-294G>A (NM_001278074.1).
Identifiers: ClinVar variation 669004 (VCV000669004.1), dbSNP rs10858284, ClinGen allele CA13003257.
Genomic context (GRCh38, chr9:134,821,803, plus strand): 5'-CAAGCCAGGGCCACAATGTCAGGGCAGTGGTTTCTGTATTTCCAAATGAACGTGAAAAGA[G>A]GTGCTCAGCCTGAAGTCCTCGGTGGCCTGGGGGATGAGAGTGAGTTCCTGGCAGCCCAGC-3'

ClinVar aggregate classification (germline): Benign (1 of 4 stars; one submission).

Allele frequency attached by ClinVar (database versions not stated): 1000 Genomes Project 30x 0.09931; 1000 Genomes Project 0.10024; gnomAD 0.11489; TOPMed 0.12051.
gnomAD v4.1: 18,038 of 152,274 alleles (12%); highest among the groups gnomAD compares: Middle Eastern, 17%; 1,274 homozygotes.

Submission:

GeneDx
Classification: Benign. Last evaluated: 2018-06-19. Review status: criteria provided, single submitter. Criteria: GeneDx Variant Classification (06012015). Collection method: clinical testing. Allele origin: germline. Affected: yes.
Comment: This variant is considered likely benign or benign based on one or more of the following criteria: it is a conservative change, it occurs at a poorly conserved position in the protein, it is predicted to be benign by multiple in silico algorithms, and/or has population frequency not consistent with disease.